The following is an entry in ClinVar:

ClinVar aggregate classification (germline): Likely benign. Review status: criteria provided, multiple submitters, no conflicts (2 of 4 stars). 10 submissions from 10 submitters: Likely benign (8). 2 of the submissions do not count toward it. Last evaluated 2026-04-01.

Conditions:
Familial thoracic aortic aneurysm and aortic dissection (TAAD). Also called: Thoracic aortic aneurysms and dissections. Identifiers: Orphanet 91387, MedGen C4707243, MONDO:0019625.
Marfan syndrome (MFS). Also called: Marfan syndrome type 1; Marfan's syndrome; FBN1-Related Marfan Syndrome; MARFAN SYNDROME, TYPE I; Marfan syndrome, classic. Identifiers: Orphanet 284963, Orphanet 558, MedGen C0024796, MONDO:0007947, OMIM 154700.

Allele frequency attached by ClinVar (database versions not stated): TOPMed 0.00002; ESP Exome Variant Server 0.00008.
gnomAD v4.1: 29 of 1,613,856 alleles (0.0018%); highest among the groups gnomAD compares: South Asian, 0.0055%; no homozygotes.

Submissions (10):

CeGaT Center for Human Genetics Tuebingen
Classification: Likely benign. Last evaluated: 2026-04-01. Review status: criteria provided, single submitter. Criteria: CeGaT Center For Human Genetics Tuebingen Variant Classification Criteria Version 2. Collection method: clinical testing. Allele origin: germline. Affected: yes. Observed: 1 variant allele.
Comment: FBN1: BP4, BP7

Labcorp Genetics (formerly Invitae), Labcorp
Classification: Likely benign for Marfan syndrome; Familial thoracic aortic aneurysm and aortic dissection. Last evaluated: 2025-12-17. Review status: criteria provided, single submitter. Criteria: Invitae Variant Classification Sherloc (09022015). Collection method: clinical testing. Allele origin: germline.

Ambry Genetics
Classification: Likely benign for Familial thoracic aortic aneurysm and aortic dissection. Last evaluated: 2024-07-30. Review status: criteria provided, single submitter. Criteria: Ambry Variant Classification Scheme 2023. Collection method: clinical testing. Allele origin: germline.

Blueprint Genetics
Classification: Likely benign. Last evaluated: 2024-01-30. Review status: criteria provided, single submitter. Criteria: ACMG Guidelines, 2015. Collection method: clinical testing. Allele origin: germline.

All of Us Research Program, National Institutes of Health
Classification: Likely benign for Marfan syndrome. Last evaluated: 2023-12-13. Review status: criteria provided, single submitter. Criteria: ACMG Guidelines, 2015. Collection method: clinical testing. Allele origin: germline. Inheritance: Autosomal dominant inheritance. Observed: 5 variant alleles, 5 heterozygotes.
Comment: This study involves interpretation of variants in research participants for the purpose of population health screening. Participant phenotype was not available at the time of variant classification. Additional details can be found in publication PMID: 35346344, PMCID: PMC8962531

GeneDx
Classification: Likely benign. Last evaluated: 2020-12-08. Review status: criteria provided, single submitter. Criteria: GeneDx Variant Classification Process June 2021. Collection method: clinical testing. Allele origin: germline. Affected: yes.

Color Diagnostics, LLC DBA Color Health
Classification: Likely benign for Familial thoracic aortic aneurysm and aortic dissection. Last evaluated: 2019-09-03. Review status: criteria provided, single submitter. Criteria: ACMG Guidelines, 2015. Collection method: clinical testing. Allele origin: germline.

CHEO Genetics Diagnostic Laboratory, Children's Hospital of Eastern Ontario
Classification: Likely benign for Familial thoracic aortic aneurysm and aortic dissection. Last evaluated: 2018-06-14. Review status: criteria provided, single submitter. Criteria: ACMG Guidelines, 2015. Collection method: clinical testing. Allele origin: germline.

Clinical Genetics DNA and cytogenetics Diagnostics Lab, Erasmus MC, Erasmus Medical Center
Classification: Likely benign. Review status: no assertion criteria provided. Collection method: clinical testing. Allele origin: germline. Affected: yes. Study: VKGL Data-share Consensus. Not counted in ClinVar's aggregate classification.

Genome Diagnostics Laboratory, Amsterdam University Medical Center
Classification: Likely benign. Review status: no assertion criteria provided. Collection method: clinical testing. Allele origin: germline. Affected: yes. Study: VKGL Data-share Consensus. Not counted in ClinVar's aggregate classification.

NM_000138.5(FBN1):c.1530G>A (p.Ser510=)

Gene: FBN1 (fibrillin 1; minus strand). Cytogenetic location: 15q21.1.
Variant type: single nucleotide variant.
Coding change: c.1530G>A on transcript NM_000138.5 (MANE Select); coding-DNA position 1530, G replaced by A.
Protein change: p.Ser510=; no amino-acid change (serine 510 retained).
Molecular consequence: synonymous variant.
Genome position (GRCh38, 1-based): chr15:48,513,607, C>T on the plus strand (G>A on the coding strand, the complement: FBN1 is on the minus strand). VCF-style: chr15-48513607-C-T. GRCh37 (hg19) VCF-style: chr15-48805804-C-T.
Identifiers: ClinVar variation 390725 (VCV000390725.26), dbSNP rs147511977, ClinGen allele CA044908.